The following is an entry in ClinVar:

NM_001135649.3(FOXI3):c.1175G>A (p.Gly392Glu)

Gene: FOXI3 (forkhead box I3; minus strand). Cytogenetic location: 2p11.2.
Variant type: single nucleotide variant.
Coding change: c.1175G>A on transcript NM_001135649.3 (MANE Select); coding-DNA position 1175, G replaced by A.
Protein change: p.Gly392Glu; replaces glycine 392 with glutamic acid.
Molecular consequence: missense variant.
Genome position (GRCh38, 1-based): chr2:88,448,295, C>T on the plus strand (G>A on the coding strand, the complement: FOXI3 is on the minus strand). VCF-style: chr2-88448295-C-T. GRCh37 (hg19) VCF-style: chr2-88747814-C-T.
Other names: short protein forms G392E.
Identifiers: ClinVar variation 3726745 (VCV003726745.2).

ClinVar aggregate classification (germline): Uncertain significance (1 of 4 stars; one submission).

Submission:

Labcorp Genetics (formerly Invitae), Labcorp
Classification: Uncertain significance. Last evaluated: 2024-12-12. Review status: criteria provided, single submitter. Criteria: Invitae Variant Classification Sherloc (09022015). Collection method: clinical testing. Allele origin: germline.
Comment: This sequence change replaces glycine, which is neutral and non-polar, with glutamic acid, which is acidic and polar, at codon 392 of the FOXI3 protein (p.Gly392Glu). This variant is present in population databases (no rsID available, gnomAD 0.002%). This variant has not been reported in the literature in individuals affected with FOXI3-related conditions. Experimental studies and prediction algorithms are not available or were not evaluated, and the functional significance of this variant is currently unknown. In summary, the available evidence is currently insufficient to determine the role of this variant in disease. Therefore, it has been classified as a Variant of Uncertain Significance.